The following is an entry in ClinVar:

ClinVar aggregate classification (germline): Uncertain significance. Review status: criteria provided, multiple submitters, no conflicts (2 of 4 stars). 2 submissions from 2 submitters: Uncertain significance (2). Last evaluated 2022-10-31.

Conditions:
Seizures, benign familial infantile, 3 (BFIS3). Also called: Familial neonatal seizures; CONVULSIONS, BENIGN FAMILIAL INFANTILE, 3. Identifiers: Orphanet 140927, Orphanet 306, MedGen C1843140, MONDO:0011904, OMIM 607745.
Developmental and epileptic encephalopathy, 11 (DEE11). Also called: Early infantile epileptic encephalopathy 11. Identifiers: Orphanet 1934, MedGen C3150987, MONDO:0013388, OMIM 613721.

Submissions (2):

GeneDx
Classification: Uncertain significance. Last evaluated: 2022-10-31. Review status: criteria provided, single submitter. Criteria: GeneDx Variant Classification Process June 2021. Collection method: clinical testing. Allele origin: germline. Affected: yes.
Comment: Not observed at significant frequency in large population cohorts (gnomAD); Missense variants in this gene are often considered pathogenic (HGMD); In silico analysis supports that this missense variant has a deleterious effect on protein structure/function; Has not been previously published as pathogenic or benign to our knowledge; This substitution is predicted to be within the C-terminal cytoplasmic domain

Labcorp Genetics (formerly Invitae), Labcorp
Classification: Uncertain significance for Seizures, benign familial infantile, 3; Developmental and epileptic encephalopathy, 11. Last evaluated: 2022-05-25. Review status: criteria provided, single submitter. Criteria: Invitae Variant Classification Sherloc (09022015). Collection method: clinical testing. Allele origin: germline.
Comment: In summary, the available evidence is currently insufficient to determine the role of this variant in disease. Therefore, it has been classified as a Variant of Uncertain Significance. Algorithms developed to predict the effect of missense changes on protein structure and function are either unavailable or do not agree on the potential impact of this missense change (SIFT: "Deleterious"; PolyPhen-2: "Probably Damaging"; Align-GVGD: "Class C0"). This variant has not been reported in the literature in individuals affected with SCN2A-related conditions. This variant is not present in population databases (gnomAD no frequency). This sequence change replaces lysine, which is basic and polar, with asparagine, which is neutral and polar, at codon 1644 of the SCN2A protein (p.Lys1644Asn).

NM_001040142.2(SCN2A):c.4932G>C (p.Lys1644Asn)

Gene: SCN2A (sodium voltage-gated channel alpha subunit 2; plus strand). Cytogenetic location: 2q24.3.
Variant type: single nucleotide variant.
Coding change: c.4932G>C on transcript NM_001040142.2 (MANE Select); coding-DNA position 4932, G replaced by C.
Protein change: p.Lys1644Asn; replaces lysine 1644 with asparagine.
Molecular consequence: missense variant.
Genome position (GRCh38, 1-based): chr2:165,388,738, G>C. VCF-style: chr2-165388738-G-C. GRCh37 (hg19) VCF-style: chr2-166245248-G-C.
Other names: c.4932G>C, p.Lys1644Asn (NM_001040143.2, NM_001371246.1, NM_001371247.1 and 1 more transcripts); c.4932G>C (NM_021007.2); short protein forms K1644N.
Identifiers: ClinVar variation 1968945 (VCV001968945.6), dbSNP rs2468157649, ClinGen allele CA349037815.